The following is an entry in ClinVar:

ClinVar aggregate classification (germline): Uncertain significance (1 of 4 stars; one submission).

Conditions:
Familial adenomatous polyposis 1 (FAP1). Also called: POLYPOSIS, ADENOMATOUS INTESTINAL; FAMILIAL ADENOMATOUS POLYPOSIS 1, ATTENUATED. Identifiers: MedGen C2713442, MONDO:0021056, OMIM 175100. Disease mechanism: loss of function.

Submission:

Labcorp Genetics (formerly Invitae), Labcorp
Classification: Uncertain significance for Familial adenomatous polyposis 1. Last evaluated: 2021-02-18. Review status: criteria provided, single submitter. Criteria: Invitae Variant Classification Sherloc (09022015). Collection method: clinical testing. Allele origin: germline.
Comment: This sequence change replaces histidine with proline at codon 1629 of the APC protein (p.His1629Pro). The histidine residue is highly conserved and there is a moderate physicochemical difference between histidine and proline. This variant is not present in population databases (ExAC no frequency). This variant has not been reported in the literature in individuals with APC-related disease. Algorithms developed to predict the effect of missense changes on protein structure and function do not agree on the potential impact of this missense change (SIFT: "Deleterious"; PolyPhen-2: "Probably Damaging"; Align-GVGD: "Class C0"). In summary, the available evidence is currently insufficient to determine the role of this variant in disease. Therefore, it has been classified as a Variant of Uncertain Significance.

NM_000038.6(APC):c.4886A>C (p.His1629Pro)

Gene: APC (APC regulator of Wnt signaling pathway; plus strand). Cytogenetic location: 5q22.2.
Variant type: single nucleotide variant.
Coding change: c.4886A>C on transcript NM_000038.6 (MANE Select); coding-DNA position 4886, A replaced by C.
Protein change: p.His1629Pro; replaces histidine 1629 with proline.
Molecular consequence: missense variant.
Genome position (GRCh38, 1-based): chr5:112,840,480, A>C. VCF-style: chr5-112840480-A-C. GRCh37 (hg19) VCF-style: chr5-112176177-A-C.
Other names: c.4886A>C, p.His1629Pro (NM_001354895.2, NM_001127510.3); c.4940A>C, p.His1647Pro (NM_001354896.2); c.4916A>C, p.His1639Pro (NM_001354897.2); c.4811A>C, p.His1604Pro (NM_001354898.2); c.4802A>C, p.His1601Pro (NM_001354899.2); c.4763A>C, p.His1588Pro (NM_001354900.2); c.4832A>C, p.His1611Pro (NM_001127511.3); c.4709A>C, p.His1570Pro (NM_001354901.2); and 5 more; short protein forms H1611P, H1629P, H1538P, H1570P, H1647P, H1528P, H1639P, H1346P.
Identifiers: ClinVar variation 578347 (VCV000578347.10), dbSNP rs1064796305, ClinGen allele CA16032038.
Genomic context (GRCh38, chr5:112,840,480, plus strand): 5'-CAAGTCAGCTGCCTGTGTACAAACTTCTACCATCACAAAACAGGTTGCAACCCCAAAAGC[A>C]TGTTAGTTTTACACCGGGGGATGATATGCCACGGGTGTATTGTGTTGAAGGGACACCTAT-3'
Protein context (NP_000029.2, residues 1619-1639): PSQNRLQPQK[His1629Pro]VSFTPGDDMP